The following is an entry in ClinVar:

ClinVar aggregate classification (germline): Uncertain significance (1 of 4 stars; one submission).

Conditions:
Rhabdoid tumor predisposition syndrome 2 (RTPS2). Identifiers: Orphanet 231108, Orphanet 69077, MedGen C2750074, MONDO:0013224, OMIM 613325.

Submission:

Labcorp Genetics (formerly Invitae), Labcorp
Classification: Uncertain significance for Rhabdoid tumor predisposition syndrome 2. Last evaluated: 2025-10-08. Review status: criteria provided, single submitter. Criteria: Invitae Variant Classification Sherloc (09022015). Collection method: clinical testing. Allele origin: germline.
Comment: This sequence change replaces glutamic acid, which is acidic and polar, with lysine, which is basic and polar, at codon 1606 of the SMARCA4 protein (p.Glu1606Lys). This variant is not present in population databases (gnomAD no frequency). This variant has not been reported in the literature in individuals affected with SMARCA4-related conditions. Invitae Evidence Modeling of protein sequence and biophysical properties (such as structural, functional, and spatial information, amino acid conservation, physicochemical variation, residue mobility, and thermodynamic stability) indicates that this missense variant is not expected to disrupt SMARCA4 protein function with a negative predictive value of 95%. In summary, the available evidence is currently insufficient to determine the role of this variant in disease. Therefore, it has been classified as a Variant of Uncertain Significance.

NM_003072.5(SMARCA4):c.4720G>A (p.Glu1574Lys)

Gene: SMARCA4 (SWI/SNF related BAF chromatin remodeling complex subunit ATPase 4; plus strand). Cytogenetic location: 19p13.2.
Variant type: single nucleotide variant.
Coding change: c.4720G>A on transcript NM_003072.5 (MANE Select); coding-DNA position 4720, G replaced by A.
Protein change: p.Glu1574Lys; replaces glutamic acid 1574 with lysine.
Molecular consequence: missense variant. On other transcripts: non-coding transcript variant (1).
Genome position (GRCh38, 1-based): chr19:11,059,837, G>A. VCF-style: chr19-11059837-G-A. GRCh37 (hg19) VCF-style: chr19-11170513-G-A.
Other names: c.4720G>A, p.Glu1574Lys (NM_001128844.3); c.4630G>A, p.Glu1544Lys (NM_001128845.2); c.4627G>A, p.Glu1543Lys (NM_001128846.2); c.4621G>A, p.Glu1541Lys (NM_001128847.4, NM_001374457.1); c.4618G>A, p.Glu1540Lys (NM_001128848.2); c.4816G>A, p.Glu1606Lys (NM_001128849.3, NM_001387283.1); c.4717G>A, p.Glu1573Lys (NM_001411150.1); short protein forms E1543K, E1544K, E1573K, E1606K, E1540K, E1574K, E1541K.
Identifiers: ClinVar variation 4751801 (VCV004751801.1).